The following is an entry in ClinVar:

ClinVar aggregate classification (germline): Uncertain significance (1 of 4 stars; one submission).

Conditions:
Autosomal recessive spinocerebellar ataxia 2. Also called: CEREBELLAR GRANULAR CELL HYPOPLASIA AND MENTAL RETARDATION, CONGENITAL; CEREBELLAR HYPOPLASIA, NONPROGRESSIVE NORMAN TYPE; CEREBELLOPARENCHYMAL DISORDER III; CPD III. Identifiers: Orphanet 1170, MedGen C1859298, MONDO:0008943, OMIM 213200.

Allele frequency attached by ClinVar (database versions not stated): gnomAD 0.00001; ExAC 0.00010.
gnomAD v4.1: 71 of 1,611,912 alleles (0.0044%); highest among the groups gnomAD compares: South Asian, 0.074%; 1 homozygote.

Submission:

MVZ Medizinische Genetik Mainz
Classification: Uncertain significance for Autosomal recessive spinocerebellar ataxia 2. Last evaluated: 2022-04-05. Review status: criteria provided, single submitter. Criteria: UK Practice Guidelines For Variant Classification V4 01 2020. Collection method: clinical testing. Allele origin: germline. Inheritance: Autosomal recessive inheritance. Affected: yes. Observed: 1 variant allele.
Comment: ACMG Criteria: PM2_SUP, PM3_SUP, PP3 (ACMG Version 3)

NM_015160.3(PMPCA):c.1330G>A (p.Val444Met)

Gene: PMPCA (peptidase, mitochondrial processing subunit alpha; plus strand). Cytogenetic location: 9q34.3.
Variant type: single nucleotide variant.
Coding change: c.1330G>A on transcript NM_015160.3 (MANE Select); coding-DNA position 1330, G replaced by A.
Protein change: p.Val444Met; replaces valine 444 with methionine.
Molecular consequence: missense variant.
Genome position (GRCh38, 1-based): chr9:136,421,898, G>A. VCF-style: chr9-136421898-G-A. GRCh37 (hg19) VCF-style: chr9-139316350-G-A.
Other names: c.937G>A, p.Val313Met (NM_001282944.2); c.1030G>A, p.Val344Met (NM_001282946.2); short protein forms V313M, V344M, V444M.
Identifiers: ClinVar variation 3236231 (VCV003236231.1), dbSNP rs767690696, ClinGen allele CA5336452.